The following is an entry in ClinVar:

NM_194248.3(OTOF):c.3409-2A>C

Gene: OTOF (otoferlin; minus strand). Cytogenetic location: 2p23.3.
Variant type: single nucleotide variant.
Coding change: c.3409-2A>C on transcript NM_194248.3 (MANE Select); the canonical splice acceptor site of the intron before coding-DNA position 3409, A replaced by C.
Molecular consequence: splice acceptor variant.
Genome position (GRCh38, 1-based): chr2:26,473,569, T>G on the plus strand (A>C on the coding strand, the complement: OTOF is on the minus strand). VCF-style: chr2-26473569-T-G. GRCh37 (hg19) VCF-style: chr2-26696437-T-G.
Other names: c.3409-2A>C (NM_001287489.2); c.1168-2A>C (NM_194323.3, NM_004802.4); c.1339-2A>C (NM_194322.3).
Identifiers: ClinVar variation 631533 (VCV000631533.7), dbSNP rs201613240, ClinGen allele CA1563553.

ClinVar aggregate classification (germline): Pathogenic/Likely pathogenic. Review status: criteria provided, multiple submitters, no conflicts (2 of 4 stars). 2 submissions from 2 submitters: Pathogenic (1); Likely pathogenic (1). Last evaluated 2023-03-08.

Conditions:
Autosomal recessive nonsyndromic hearing loss 9. Also called: Deafness, autosomal recessive 9; NEUROSENSORY NONSYNDROMIC RECESSIVE DEAFNESS 9; OTOF-Related Hearing Loss; AUDITORY NEUROPATHY, AUTOSOMAL RECESSIVE, 1, TEMPERATURE-SENSITIVE. Identifiers: Orphanet 90636, MedGen C1832828, MONDO:0010986, OMIM 601071.

Allele frequency attached by ClinVar (database versions not stated): gnomAD exomes below 0.00001 and 0.00001; ExAC 0.00001.
gnomAD v4.1: 18 of 1,600,310 alleles (0.0011%); highest among the groups gnomAD compares: Non-Finnish European, 0.0015%; no homozygotes.

Submissions (2):

Labcorp Genetics (formerly Invitae), Labcorp
Classification: Pathogenic. Last evaluated: 2023-03-08. Review status: criteria provided, single submitter. Criteria: Invitae Variant Classification Sherloc (09022015). Collection method: clinical testing. Allele origin: germline.
Comment: This sequence change affects an acceptor splice site in intron 27 of the OTOF gene. It is expected to disrupt RNA splicing. Variants that disrupt the donor or acceptor splice site typically lead to a loss of protein function (PMID: 16199547), and loss-of-function variants in OTOF are known to be pathogenic (PMID: 18381613, 19250381, 22575033). This variant is present in population databases (rs201613240, gnomAD 0.0009%). Disruption of this splice site has been observed in individual(s) with autosomal recessive deafness and/or auditory neuropathy (PMID: 16371502). In at least one individual the data is consistent with being in trans (on the opposite chromosome) from a pathogenic variant. ClinVar contains an entry for this variant (Variation ID: 631533). Algorithms developed to predict the effect of sequence changes on RNA splicing suggest that this variant may disrupt the consensus splice site. For these reasons, this variant has been classified as Pathogenic.

Illumina Laboratory Services, Illumina
Classification: Likely pathogenic for Autosomal recessive nonsyndromic hearing loss 9. Last evaluated: 2019-04-05. Review status: criteria provided, single submitter. Criteria: ICSL Variant Classification Criteria 09 May 2019. Collection method: clinical testing. Allele origin: germline.
Comment: The OTOF c.3409-2A>C variant occurs in a canonical splice site (acceptor) and is therefore predicted to disrupt or distort the normal gene product. The c.3409-2A>C variant has been reported in two studies in which it has been found in a compound heterozygous state with a previously described pathogenic stop-gained variant in two brothers affected with profound nonsyndromic hearing loss and auditory neuropathy, and in a heterozygous state with no second variant detected in four unrelated individuals with moderate to profound bilateral sensorineural hearing loss, and in a heterozygous state in another individual with moderate to profound bilateral sensorineural hearing loss who also carried a missense variant in the CDH23 gene (Varga et al. 2006; Wu et al. 2016). The c.3409-2A>C variant was also found in a heterozygous state in the unaffected mother of the two brothers from Varga et al. (2006). The c.3409-2A>C variant was absent from 304 control chromosomes and is reported at a frequency of 0.000015 in the European (non-Finnish) population of the Exome Aggregation Consortium. This is based on one allele only in a region of good sequence coverage so the variant is presumed to be rare. Based on the evidence and the potential impact of splice acceptor variants, the c.3409-2A>C variant is classified as likely pathogenic for an autosomal recessive form of nonsyndromic hearing loss. This variant was observed by ICSL as part of a predisposition screen in an ostensibly healthy population.

Literature cited by the submitters: PubMed 16199547 (cited by Labcorp Genetics (formerly Invitae), Labcorp); PubMed 18381613 (cited by Labcorp Genetics (formerly Invitae), Labcorp); PubMed 19250381 (cited by Labcorp Genetics (formerly Invitae), Labcorp); PubMed 22575033 (cited by Labcorp Genetics (formerly Invitae), Labcorp); PubMed 16371502 (cited by Labcorp Genetics (formerly Invitae), Labcorp and Illumina Laboratory Services, Illumina); PubMed 27018795 (cited by Illumina Laboratory Services, Illumina).